The following is an entry in ClinVar:

ClinVar aggregate classification (germline): Uncertain significance (1 of 4 stars; one submission).

Submission:

Labcorp Genetics (formerly Invitae), Labcorp
Classification: Uncertain significance. Last evaluated: 2022-10-13. Review status: criteria provided, single submitter. Criteria: Invitae Variant Classification Sherloc (09022015). Collection method: clinical testing. Allele origin: germline.
Comment: Advanced modeling of protein sequence and biophysical properties (such as structural, functional, and spatial information, amino acid conservation, physicochemical variation, residue mobility, and thermodynamic stability) performed at Invitae indicates that this missense variant is not expected to disrupt GRIN2D protein function. In summary, the available evidence is currently insufficient to determine the role of this variant in disease. Therefore, it has been classified as a Variant of Uncertain Significance. ClinVar contains an entry for this variant (Variation ID: 1399097). This variant has not been reported in the literature in individuals affected with GRIN2D-related conditions. This variant is not present in population databases (gnomAD no frequency). This sequence change replaces glycine, which is neutral and non-polar, with serine, which is neutral and polar, at codon 330 of the GRIN2D protein (p.Gly330Ser).

NM_000836.4(GRIN2D):c.988G>A (p.Gly330Ser)

Gene: GRIN2D (glutamate ionotropic receptor NMDA type subunit 2D; plus strand). Cytogenetic location: 19q13.33.
Variant type: single nucleotide variant.
Coding change: c.988G>A on transcript NM_000836.4 (MANE Select); coding-DNA position 988, G replaced by A.
Protein change: p.Gly330Ser; replaces glycine 330 with serine.
Molecular consequence: missense variant.
Genome position (GRCh38, 1-based): chr19:48,405,256, G>A. VCF-style: chr19-48405256-G-A. GRCh37 (hg19) VCF-style: chr19-48908513-G-A.
Other names: short protein forms G330S.
Identifiers: ClinVar variation 1399097 (VCV001399097.8), dbSNP rs2147442118, ClinGen allele CA406693106.